The following is an entry in ClinVar:

ClinVar aggregate classification (germline): Uncertain significance (1 of 4 stars; one submission).

Submission:

Labcorp Genetics (formerly Invitae), Labcorp
Classification: Uncertain significance. Last evaluated: 2022-03-01. Review status: criteria provided, single submitter. Criteria: Invitae Variant Classification Sherloc (09022015). Collection method: clinical testing. Allele origin: germline.
Comment: In summary, the available evidence is currently insufficient to determine the role of this variant in disease. Therefore, it has been classified as a Variant of Uncertain Significance. Algorithms developed to predict the effect of missense changes on protein structure and function (SIFT, PolyPhen-2, Align-GVGD) all suggest that this variant is likely to be disruptive. This variant has not been reported in the literature in individuals affected with LPL-related conditions. This variant is not present in population databases (gnomAD no frequency). This sequence change replaces leucine, which is neutral and non-polar, with proline, which is neutral and non-polar, at codon 114 of the LPL protein (p.Leu114Pro).

NM_000237.3(LPL):c.341T>C (p.Leu114Pro)

Gene: LPL (lipoprotein lipase; plus strand). Cytogenetic location: 8p21.3.
Variant type: single nucleotide variant.
Coding change: c.341T>C on transcript NM_000237.3 (MANE Select); coding-DNA position 341, T replaced by C.
Protein change: p.Leu114Pro; replaces leucine 114 with proline.
Molecular consequence: missense variant.
Genome position (GRCh38, 1-based): chr8:19,951,860, T>C. VCF-style: chr8-19951860-T-C. GRCh37 (hg19) VCF-style: chr8-19809371-T-C.
Other names: short protein forms L114P.
Identifiers: ClinVar variation 2104026 (VCV002104026.4), dbSNP rs1371142666, ClinGen allele CA370467597.